The following is an entry in ClinVar:

NM_052867.4(NALCN):c.1783G>T (p.Val595Phe)

Gene: NALCN (sodium leak channel, non-selective; minus strand). Cytogenetic location: 13q33.1.
Variant type: single nucleotide variant.
Coding change: c.1783G>T on transcript NM_052867.4 (MANE Select); coding-DNA position 1783, G replaced by T.
Protein change: p.Val595Phe; replaces valine 595 with phenylalanine.
Molecular consequence: missense variant.
Genome position (GRCh38, 1-based): chr13:101,176,356, C>A on the plus strand (G>T on the coding strand, the complement: NALCN is on the minus strand). VCF-style: chr13-101176356-C-A. GRCh37 (hg19) VCF-style: chr13-101828707-C-A.
Other names: c.1783G>T, p.Val595Phe (NM_001350748.2, NM_001350749.2); c.1696G>T, p.Val566Phe (NM_001350750.2, NM_001350751.2); short protein forms V566F, V595F.
Identifiers: ClinVar variation 692280 (VCV000692280.3), dbSNP rs1594368753, ClinGen allele CA388702919.

ClinVar aggregate classification (germline): Likely pathogenic. Review status: criteria provided, multiple submitters, no conflicts (2 of 4 stars). 2 submissions from 2 submitters: Likely pathogenic (2). Last evaluated 2026-01-01.

Conditions:
Congenital contractures of the limbs and face, hypotonia, and developmental delay (CLIFAHDD). Identifiers: Orphanet 562528, MedGen C4225398, MONDO:0014556, OMIM 616266.
Fetal akinesia deformation sequence 1 (FADS1). Also called: Fetal akinesia sequence; Pena-Shokeir syndrome type I. Identifiers: Orphanet 994, MedGen C1276035, MONDO:0100101, OMIM 208150, HP:0001989.
Arthrogryposis multiplex congenita (AMC). Also called: Guérin-Stern syndrome; Congenital multiple arthrogryposis; Fibrous ankylosis of multiple joints; Congenital arthromyodysplasia; Myodystrophia fetalis deformans; Otto syndrome. Identifiers: Orphanet 1037, MedGen C5779613, MeSH D001176, MONDO:0015168, HP:0002804.

Submissions (2):

Variantyx, Inc.
Classification: Likely pathogenic for Congenital contractures of the limbs and face, hypotonia, and developmental delay. Last evaluated: 2026-01-01. Review status: criteria provided, single submitter. Criteria: Variantyx Assertion Criteria 2022. Collection method: clinical testing. Allele origin: de novo. Inheritance: Autosomal dominant inheritance. Affected: yes.
Comment: This is a nonsynonymous variant in the NALCN gene (OMIM: 611549). Pathogenic variants in this gene have been associated with autosomal dominant congenital contractures of the limbs and face, hypotonia, and developmental delay. Multiple computational algorithms predict a deleterious effect for this variant (REVEL score: 0.873) (PP3). This variant is absent from control populations (PM2). Based on the current evidence, this variant is classified as likely pathogenic for autosomal dominant congenital contractures of the limbs and face, hypotonia, and developmental delay.

Cirak Lab, University Hospital Cologne
Classification: Likely pathogenic for Arthrogryposis multiplex congenita; Fetal akinesia sequence. Last evaluated: 2019-06-28. Review status: criteria provided, single submitter. Criteria: ACMG Guidelines, 2015. Collection method: research. Allele origin: de novo. Affected: yes. Observed: 1 variant allele.

Literature cited by the submitters: PubMed 27214504 (cited by Variantyx, Inc. and Cirak Lab, University Hospital Cologne); PubMed 31680123 (cited by Variantyx, Inc. and Cirak Lab, University Hospital Cologne).